The following is an entry in ClinVar:

ClinVar aggregate classification (germline): Pathogenic (1 of 4 stars; one submission).

Submission:

Labcorp Genetics (formerly Invitae), Labcorp
Classification: Pathogenic. Last evaluated: 2023-06-06. Review status: criteria provided, single submitter. Criteria: Invitae Variant Classification Sherloc (09022015). Collection method: clinical testing. Allele origin: germline.
Comment: For these reasons, this variant has been classified as Pathogenic. Algorithms developed to predict the effect of sequence changes on RNA splicing suggest that this variant may create or strengthen a splice site. ClinVar contains an entry for this variant (Variation ID: 1367203). This variant has not been reported in the literature in individuals affected with GNPTG-related conditions. This variant is not present in population databases (gnomAD no frequency). This sequence change creates a premature translational stop signal (p.Gln45*) in the GNPTG gene. It is expected to result in an absent or disrupted protein product. Loss-of-function variants in GNPTG are known to be pathogenic (PMID: 19370764, 20301784).

Literature cited by the submitters: PubMed 19370764; PubMed 20301784.

NM_032520.5(GNPTG):c.133C>T (p.Gln45Ter)

Gene: GNPTG (N-acetylglucosamine-1-phosphate transferase subunit gamma; plus strand). Cytogenetic location: 16p13.3.
Variant type: single nucleotide variant.
Coding change: c.133C>T on transcript NM_032520.5 (MANE Select); coding-DNA position 133, C replaced by T.
Protein change: p.Gln45Ter; replaces glutamine 45 with a stop codon.
Molecular consequence: nonsense.
Genome position (GRCh38, 1-based): chr16:1,352,261, C>T. VCF-style: chr16-1352261-C-T. GRCh37 (hg19) VCF-style: chr16-1402262-C-T.
Other names: short protein forms Q45*.
Identifiers: ClinVar variation 1367203 (VCV001367203.6), dbSNP rs2141633130, ClinGen allele CA394184379.